The following is an entry in ClinVar:

NM_006567.5(FARS2):c.692A>T (p.His231Leu)

Gene: FARS2 (phenylalanyl-tRNA synthetase 2, mitochondrial; plus strand). Cytogenetic location: 6p25.1.
Variant type: single nucleotide variant.
Coding change: c.692A>T on transcript NM_006567.5 (MANE Select); coding-DNA position 692, A replaced by T.
Protein change: p.His231Leu; replaces histidine 231 with leucine.
Molecular consequence: missense variant. On other transcripts: 5 prime UTR variant (2).
Genome position (GRCh38, 1-based): chr6:5,404,621, A>T. VCF-style: chr6-5404621-A-T. GRCh37 (hg19) VCF-style: chr6-5404854-A-T.
Other names: c.692A>T, p.His231Leu (NM_001318872.2, NM_001374875.1, NM_001374876.1 and 5 more transcripts); c.-5A>T (NM_001375259.1, NM_001375260.1); short protein forms H231L.
Identifiers: ClinVar variation 659421 (VCV000659421.9), dbSNP rs137910005, ClinGen allele CA134315045.

ClinVar aggregate classification (germline): Uncertain significance (1 of 4 stars; one submission).

Conditions:
Combined oxidative phosphorylation defect type 14. Also called: Combined oxidative phosphorylation deficiency 14. Identifiers: Orphanet 319519, MedGen C4755312, MONDO:0013986, OMIM 614946.

Allele frequency attached by ClinVar (database versions not stated): gnomAD 0.00001; gnomAD exomes 0.00001; TOPMed 0.00001.
gnomAD v4.1: 14 of 1,613,390 alleles (0.00087%); highest among the groups gnomAD compares: Non-Finnish European, 0.0012%; no homozygotes.

Submission:

Labcorp Genetics (formerly Invitae), Labcorp
Classification: Uncertain significance for Combined oxidative phosphorylation defect type 14. Last evaluated: 2025-08-28. Review status: criteria provided, single submitter. Criteria: Invitae Variant Classification Sherloc (09022015). Collection method: clinical testing. Allele origin: germline.
Comment: This sequence change replaces histidine, which is basic and polar, with leucine, which is neutral and non-polar, at codon 231 of the FARS2 protein (p.His231Leu). This variant is not present in population databases (gnomAD no frequency). This variant has not been reported in the literature in individuals affected with FARS2-related conditions. ClinVar contains an entry for this variant (Variation ID: 659421). Invitae Evidence Modeling of protein sequence and biophysical properties (such as structural, functional, and spatial information, amino acid conservation, physicochemical variation, residue mobility, and thermodynamic stability) has been performed for this missense variant. However, the output from this modeling did not meet the statistical confidence thresholds required to predict the impact of this variant on FARS2 protein function. In summary, the available evidence is currently insufficient to determine the role of this variant in disease. Therefore, it has been classified as a Variant of Uncertain Significance.